The following is an entry in ClinVar:

NM_001127392.3(MYRF):c.1351C>G (p.Gln451Glu)

Gene: MYRF (myelin regulatory factor; plus strand). Cytogenetic location: 11q12.2.
Variant type: single nucleotide variant.
Coding change: c.1351C>G on transcript NM_001127392.3 (MANE Select); coding-DNA position 1351, C replaced by G.
Protein change: p.Gln451Glu; replaces glutamine 451 with glutamic acid.
Molecular consequence: missense variant.
Genome position (GRCh38, 1-based): chr11:61,776,095, C>G. VCF-style: chr11-61776095-C-G. GRCh37 (hg19) VCF-style: chr11-61543567-C-G.
Other names: c.1324C>G, p.Gln442Glu (NM_013279.4); short protein forms Q442E, Q451E.
Identifiers: ClinVar variation 1706309 (VCV001706309.2), dbSNP rs2540946224, ClinGen allele CA380853619.

ClinVar aggregate classification (germline): Uncertain significance (1 of 4 stars; one submission).

Submission:

GeneDx
Classification: Uncertain significance. Last evaluated: 2022-03-15. Review status: criteria provided, single submitter. Criteria: GeneDx Variant Classification Process June 2021. Collection method: clinical testing. Allele origin: germline. Affected: yes.
Comment: Not observed at significant frequency in large population cohorts (gnomAD); In silico analysis supports that this missense variant has a deleterious effect on protein structure/function; Has not been previously published as pathogenic or benign to our knowledge